The following is an entry in ClinVar:

ClinVar aggregate classification (germline): Uncertain significance. Review status: criteria provided, multiple submitters, no conflicts (2 of 4 stars). 2 submissions from 2 submitters: Uncertain significance (2). Last evaluated 2024-05-28.

Conditions:
RYR1-related disorder. Also called: RYR1-related condition; RYR1-related disorders. Identifiers: MedGen CN239331.
Malignant hyperthermia, susceptibility to, 1 (MHS1). Also called: Anesthesia related hyperthermia; Malignant hyperpyrexia; Fulminating hyperpyrexia; Pharmacogenic myopathy; RYR1-Related Malignant Hyperthermia Susceptibility; Malignant hyperthermia suceptibility 1. Identifiers: Orphanet 423, MedGen C2930980, MONDO:0007783, OMIM 145600.

Submissions (2):

Labcorp Genetics (formerly Invitae), Labcorp
Classification: Uncertain significance for RYR1-related disorder. Last evaluated: 2024-05-28. Review status: criteria provided, single submitter. Criteria: Invitae Variant Classification Sherloc (09022015). Collection method: clinical testing. Allele origin: germline.
Comment: This variant, c.13484_13495del, results in the deletion of 4 amino acid(s) of the RYR1 protein (p.Pro4495_Glu4498del), but otherwise preserves the integrity of the reading frame. This variant is present in population databases (rs753591948, gnomAD 0.007%). This variant has not been reported in the literature in individuals affected with RYR1-related conditions. In summary, the available evidence is currently insufficient to determine the role of this variant in disease. Therefore, it has been classified as a Variant of Uncertain Significance.

All of Us Research Program, National Institutes of Health
Classification: Uncertain significance for Malignant hyperthermia, susceptibility to, 1. Last evaluated: 2023-06-26. Review status: criteria provided, single submitter. Criteria: ACMG Guidelines, 2015. Collection method: clinical testing. Allele origin: germline. Inheritance: Autosomal dominant inheritance. Observed: 1 variant allele, 1 heterozygote.
Comment: This variant results in the deletion of 4 amino acids (p.Pro4495_Glu4498del) in the RYR1 protein. To our knowledge, functional studies have not been reported for this variant. This variant has not been reported in individuals affected with RYR1-related disorders in the literature. This variant has been identified in 1/233196 chromosomes in the general population by the Genome Aggregation Database (gnomAD). The available evidence is insufficient to determine the role of this variant in disease conclusively. Therefore, this variant is classified as a Variant of Uncertain Significance.

This study involves interpretation of variants in research participants for the purpose of population health screening. Participant phenotype was not available at the time of variant classification. Additional details can be found in publication PMID: 35346344, PMCID: PMC8962531

NM_000540.3(RYR1):c.13484_13495del (p.4489PE[3])

Gene: RYR1 (ryanodine receptor 1; plus strand). Cytogenetic location: 19q13.2.
Variant type: Deletion.
Coding change: c.13484_13495del on transcript NM_000540.3 (MANE Select); coding-DNA positions 13484 to 13495, 12 bases deleted (CGGAACCAGAGC).
Protein change: p.4489PE[3].
Molecular consequence: inframe deletion.
Genome position (GRCh38, 1-based): chr19:38,566,957-38,566,968, CGGAACCAGAGC deleted; deleting any 12 consecutive bases within chr19:38,566,953-38,566,968 gives the same sequence; the c. name uses the placement nearest the transcript's 3' end. VCF-style (leftmost placement, unchanged base first): chr19-38566952-CGAGCCGGAACCA-C. GRCh37 (hg19) VCF-style: chr19-39057592-CGAGCCGGAACCA-C.
Other names: c.13469_13480del, p.4484PE[3] (NM_001042723.2).
Identifiers: ClinVar variation 3072123 (VCV003072123.3), dbSNP rs753591948, ClinGen allele CA9415942.